The following is an entry in ClinVar:

NM_001276713.2(ANKDD1B):c.1409G>A (p.Arg470His)

Gene: ANKDD1B (ankyrin repeat and death domain containing 1B; plus strand). Cytogenetic location: 5q13.3.
Variant type: single nucleotide variant.
Coding change: c.1409G>A on transcript NM_001276713.2 (MANE Select); coding-DNA position 1409, G replaced by A.
Protein change: p.Arg470His; replaces arginine 470 with histidine.
Molecular consequence: missense variant.
Genome position (GRCh38, 1-based): chr5:75,669,267, G>A. VCF-style: chr5-75669267-G-A. GRCh37 (hg19) VCF-style: chr5-74965092-G-A.
Other names: short protein forms R470H.
Identifiers: ClinVar variation 719096 (VCV000719096.27), dbSNP rs139309851, ClinGen allele CA3310248.
Genomic context (GRCh38, chr5:75,669,267, plus strand): 5'-AGCAGCTCGTGGTGTTTTACCTCGGACCTCTTGTGCTTGGCACAGGAAATGAAAGCTTCC[G>A]TGAACATGGCCACAGGGCTCTGCTTATCTGGCTACACGGGACCCTGATGACTCAGGGTGA-3'
Protein context (NP_001263642.1, residues 460-480): EEQWSGNESF[Arg470His]EHGHRALLIW

ClinVar aggregate classification (germline): Benign/Likely benign. Review status: criteria provided, multiple submitters, no conflicts (2 of 4 stars). 2 submissions from 2 submitters: Benign (1); Likely benign (1). Last evaluated 2023-05-01.

Allele frequency attached by ClinVar (database versions not stated): 1000 Genomes Project 30x 0.00172; 1000 Genomes Project 0.00200; gnomAD 0.00388 and 0.00396; TOPMed 0.00399; ExAC 0.00419; gnomAD exomes 0.00583 and 0.00676.

Submissions (2):

CeGaT Center for Human Genetics Tuebingen
Classification: Likely benign. Last evaluated: 2023-05-01. Review status: criteria provided, single submitter. Criteria: CeGaT Center For Human Genetics Tuebingen Variant Classification Criteria Version 2. Collection method: clinical testing. Allele origin: germline. Affected: yes. Observed: 2 variant alleles.
Comment: ANKDD1B: BP4, BS2

Labcorp Genetics (formerly Invitae), Labcorp
Classification: Benign. Last evaluated: 2019-01-03. Review status: criteria provided, single submitter. Criteria: Invitae Variant Classification Sherloc (09022015). Collection method: clinical testing. Allele origin: germline.